The following is an entry in ClinVar:

NM_001369.3(DNAH5):c.9897+9A>G

Gene: DNAH5 (dynein axonemal heavy chain 5; minus strand). Cytogenetic location: 5p15.2.
Variant type: single nucleotide variant.
Coding change: c.9897+9A>G on transcript NM_001369.3 (MANE Select); 9 bases into the intron after coding-DNA position 9897, A replaced by G.
Molecular consequence: intron variant.
Genome position (GRCh38, 1-based): chr5:13,768,951, T>C on the plus strand (A>G on the coding strand, the complement: DNAH5 is on the minus strand). VCF-style: chr5-13768951-T-C. GRCh37 (hg19) VCF-style: chr5-13769060-T-C.
Identifiers: ClinVar variation 704431 (VCV000704431.14), dbSNP rs774932799, ClinGen allele CA113930643.

ClinVar aggregate classification (germline): Likely benign. Review status: criteria provided, single submitter (1 of 4 stars). 3 submissions from 3 submitters: Likely benign (1). 2 of the submissions do not count toward it. Last evaluated 2023-09-15.

Conditions:
Primary ciliary dyskinesia. Also called: Ciliary dyskinesia. Identifiers: Orphanet 244, MedGen C0008780, MONDO:0016575, HP:0012265.
DNAH5-related disorder. Also called: DNAH5-related condition.

Allele frequency attached by ClinVar (database versions not stated): gnomAD 0.00001; gnomAD exomes 0.00001.
gnomAD v4.1: 76 of 1,613,994 alleles (0.0047%); highest among the groups gnomAD compares: Middle Eastern, 0.016%; no homozygotes.

Submissions (3):

Labcorp Genetics (formerly Invitae), Labcorp
Classification: Likely benign for Primary ciliary dyskinesia. Last evaluated: 2023-09-15. Review status: criteria provided, single submitter. Criteria: Invitae Variant Classification Sherloc (09022015). Collection method: clinical testing. Allele origin: germline.

PreventionGenetics, part of Exact Sciences
Classification: Likely benign for DNAH5-related condition. Last evaluated: 2024-06-19. Review status: no assertion criteria provided. Collection method: clinical testing. Allele origin: germline. Not counted in ClinVar's aggregate classification.
Comment: This variant is classified as likely benign based on ACMG/AMP sequence variant interpretation guidelines (Richards et al. 2015 PMID: 25741868, with internal and published modifications).

Natera, Inc.
Classification: Uncertain significance for Primary ciliary dyskinesia. Last evaluated: 2020-01-24. Review status: no assertion criteria provided. Collection method: clinical testing. Allele origin: germline. Not counted in ClinVar's aggregate classification.